The following is an entry in ClinVar:

NM_000218.3(KCNQ1):c.852G>A (p.Glu284=)

Gene: KCNQ1 (potassium voltage-gated channel subfamily Q member 1; plus strand). Cytogenetic location: 11p15.5.
Variant type: single nucleotide variant.
Coding change: c.852G>A on transcript NM_000218.3 (MANE Select); coding-DNA position 852, G replaced by A.
Protein change: p.Glu284=; no amino-acid change (glutamic acid 284 retained).
Molecular consequence: synonymous variant. On other transcripts: intron variant (1).
Genome position (GRCh38, 1-based): chr11:2,572,917, G>A. VCF-style: chr11-2572917-G-A. GRCh37 (hg19) VCF-style: chr11-2594147-G-A.
Other names: c.852G>A, p.Glu284= (NM_001406836.1); c.582G>A, p.Glu194= (NM_001406837.1); c.471G>A, p.Glu157= (NM_181798.2); c.478-10518G>A (NM_001406838.1).
Identifiers: ClinVar variation 1172030 (VCV001172030.9), dbSNP rs1271929222, ClinGen allele CA472038173.

ClinVar aggregate classification (germline): Likely benign. Review status: criteria provided, multiple submitters, no conflicts (2 of 4 stars). 4 submissions from 4 submitters: Likely benign (4). Last evaluated 2025-01-02.

Conditions:
Long QT syndrome (LQTS). Identifiers: MedGen C0023976, MeSH D008133, MONDO:0002442. Disease mechanism: loss of function. Inheritance: Various modes of inheritance.
Cardiovascular phenotype. Identifiers: MedGen CN230736.
Cardiac arrhythmia. Also called: Cardiac rhythm disease; Arrhythmia. Identifiers: MedGen C0003811, MONDO:0007263, HP:0011675.

Allele frequency attached by ClinVar (database versions not stated): gnomAD exomes below 0.00001.
gnomAD v4.1: 2 of 1,613,850 alleles (0.00012%); highest among the groups gnomAD compares: Admixed American, 0.0017%; no homozygotes.

Submissions (4):

Labcorp Genetics (formerly Invitae), Labcorp
Classification: Likely benign for Long QT syndrome. Last evaluated: 2025-01-02. Review status: criteria provided, single submitter. Criteria: Invitae Variant Classification Sherloc (09022015). Collection method: clinical testing. Allele origin: germline.

All of Us Research Program, National Institutes of Health
Classification: Likely benign for Long QT syndrome. Last evaluated: 2024-03-24. Review status: criteria provided, single submitter. Criteria: ACMG Guidelines, 2015. Collection method: clinical testing. Allele origin: germline. Inheritance: Autosomal dominant inheritance. Observed: 1 variant allele, 1 heterozygote.
Comment: This study involves interpretation of variants in research participants for the purpose of population health screening. Participant phenotype was not available at the time of variant classification. Additional details can be found in publication PMID: 35346344, PMCID: PMC8962531

Ambry Genetics
Classification: Likely benign for Cardiovascular phenotype. Last evaluated: 2023-02-23. Review status: criteria provided, single submitter. Criteria: Ambry Variant Classification Scheme 2023. Collection method: clinical testing. Allele origin: germline.

Color Diagnostics, LLC DBA Color Health
Classification: Likely benign for Cardiac arrhythmia. Last evaluated: 2020-07-27. Review status: criteria provided, single submitter. Criteria: ACMG Guidelines, 2015. Collection method: clinical testing. Allele origin: germline.